The following is an entry in ClinVar:

ClinVar aggregate classification (germline): Uncertain significance (1 of 4 stars; one submission).

gnomAD v4.1: 10 of 1,613,770 alleles (0.00062%); highest among the groups gnomAD compares: Non-Finnish European, 0.00085%; no homozygotes.

Submission:

Labcorp Genetics (formerly Invitae), Labcorp
Classification: Uncertain significance. Last evaluated: 2025-06-17. Review status: criteria provided, single submitter. Criteria: Invitae Variant Classification Sherloc (09022015). Collection method: clinical testing. Allele origin: germline.
Comment: This sequence change replaces methionine, which is neutral and non-polar, with isoleucine, which is neutral and non-polar, at codon 432 of the AGAP1 protein (p.Met432Ile). This variant is present in population databases (rs745641948, gnomAD 0.003%). This variant has not been reported in the literature in individuals affected with AGAP1-related conditions. An algorithm developed to predict the effect of missense changes on protein structure and function (PolyPhen-2) suggests that this variant is likely to be tolerated. In summary, the available evidence is currently insufficient to determine the role of this variant in disease. Therefore, it has been classified as a Variant of Uncertain Significance.

NM_001037131.3(AGAP1):c.1296G>A (p.Met432Ile)

Gene: AGAP1 (ArfGAP with GTPase domain, ankyrin repeat and PH domain 1; plus strand). Cytogenetic location: 2q37.2.
Variant type: single nucleotide variant.
Coding change: c.1296G>A on transcript NM_001037131.3 (MANE Select); coding-DNA position 1296, G replaced by A.
Protein change: p.Met432Ile; replaces methionine 432 with isoleucine.
Molecular consequence: missense variant.
Genome position (GRCh38, 1-based): chr2:235,908,878, G>A. VCF-style: chr2-235908878-G-A. GRCh37 (hg19) VCF-style: chr2-236817522-G-A.
Other names: c.2091G>A, p.Met697Ile (NM_001436125.1, NM_001436126.1); c.1296G>A, p.Met432Ile (NM_014914.5); short protein forms M697I, M432I.
Identifiers: ClinVar variation 4781061 (VCV004781061.1).